The following is an entry in ClinVar:

ClinVar aggregate classification (germline): Uncertain significance (1 of 4 stars; one submission).

Submission:

Dasa
Classification: Uncertain significance. Last evaluated: 2026-06-12. Review status: criteria provided, single submitter. Criteria: DASA Assertion Criteria. Collection method: clinical testing. Allele origin: germline.
Comment: NM_018117.12(WDR11):c.14C>A (p.Thr5Lys) is a missense variant that results in the substitution of threonine with lysine. This variant is rare in population databases. The currently available literature and clinical evidence are not sufficient to establish a definitive association between this variant and the reported condition. Therefore, this variant is classified as a variant of uncertain significance.

NM_018117.12(WDR11):c.14C>A (p.Thr5Lys)

Gene: WDR11 (WD repeat domain 11; plus strand). Cytogenetic location: 10q26.12.
Variant type: single nucleotide variant.
Coding change: c.14C>A on transcript NM_018117.12 (MANE Select); coding-DNA position 14, C replaced by A.
Protein change: p.Thr5Lys; replaces threonine 5 with lysine.
Molecular consequence: missense variant.
Genome position (GRCh38, 1-based): chr10:120,851,434, C>A. VCF-style: chr10-120851434-C-A. GRCh37 (hg19) VCF-style: chr10-122610946-C-A.
Other names: short protein forms T5K.
Identifiers: ClinVar variation 5020393 (VCV005020393.1).